The following is an entry in ClinVar:

NM_012309.5(SHANK2):c.2284A>G (p.Lys762Glu)

Gene: SHANK2 (SH3 and multiple ankyrin repeat domains 2; minus strand). Cytogenetic location: 11q13.4.
Variant type: single nucleotide variant.
Coding change: c.2284A>G on transcript NM_012309.5 (MANE Select); coding-DNA position 2284, A replaced by G.
Protein change: p.Lys762Glu; replaces lysine 762 with glutamic acid.
Molecular consequence: missense variant. On other transcripts: non-coding transcript variant (1).
Genome position (GRCh38, 1-based): chr11:70,501,926, T>C on the plus strand (A>G on the coding strand, the complement: SHANK2 is on the minus strand). VCF-style: chr11-70501926-T-C. GRCh37 (hg19) VCF-style: chr11-70348031-T-C.
Other names: c.1147A>G, p.Lys383Glu (NM_001379226.1); c.520A>G, p.Lys174Glu (NM_133266.5); short protein forms K174E, K383E, K762E.
Identifiers: ClinVar variation 2642084 (VCV002642084.24), dbSNP rs2495739101, ClinGen allele CA381692382.
Genomic context (GRCh38, chr11:70,501,926, plus strand): 5'-TGGGGGTGCCCTAGACAGCAGGGGGAGCTGCTTTGGGGACCCAGTGGGGCTGCTTACCTT[T>C]ATCCACTAGTGAGAGGCCCAAAAATTCAAAACAAAACAATGTTAGATAAACAGAAAAGAG-3'
Protein context (NP_036441.2, residues 752-772): MTSELEELVD[Lys762Glu]ASVRKKKDKP

ClinVar aggregate classification (germline): Uncertain significance (1 of 4 stars; one submission).

Submission:

CeGaT Center for Human Genetics Tuebingen
Classification: Uncertain significance. Last evaluated: 2022-10-01. Review status: criteria provided, single submitter. Criteria: CeGaT Center For Human Genetics Tuebingen Variant Classification Criteria Version 2. Collection method: clinical testing. Allele origin: germline. Affected: yes. Observed: 1 variant allele.
Comment: SHANK2: PM2, BP4